The following is an entry in ClinVar:

ClinVar aggregate classification (germline): Likely benign. Review status: criteria provided, multiple submitters, no conflicts (2 of 4 stars). 2 submissions from 2 submitters: Likely benign (2). Last evaluated 2026-01-14.

Allele frequency attached by ClinVar (database versions not stated): ExAC 0.00001; gnomAD exomes 0.00001; TOPMed 0.00002.

Submissions (2):

Labcorp Genetics (formerly Invitae), Labcorp
Classification: Likely benign. Last evaluated: 2026-01-14. Review status: criteria provided, single submitter. Criteria: Invitae Variant Classification Sherloc (09022015). Collection method: clinical testing. Allele origin: germline.

GeneDx
Classification: Likely benign. Last evaluated: 2018-03-15. Review status: criteria provided, single submitter. Criteria: GeneDx Variant Classification (06012015). Collection method: clinical testing. Allele origin: germline. Affected: yes.
Comment: This variant is considered likely benign or benign based on one or more of the following criteria: it is a conservative change, it occurs at a poorly conserved position in the protein, it is predicted to be benign by multiple in silico algorithms, and/or has population frequency not consistent with disease.

NM_006767.4(LZTR1):c.2070-12C>T

Gene: LZTR1 (leucine zipper like post translational regulator 1; plus strand). Cytogenetic location: 22q11.21.
Variant type: single nucleotide variant.
Coding change: c.2070-12C>T on transcript NM_006767.4 (MANE Select); 12 bases into the intron before coding-DNA position 2070, C replaced by T.
Molecular consequence: intron variant.
Genome position (GRCh38, 1-based): chr22:20,995,951, C>T. VCF-style: chr22-20995951-C-T. GRCh37 (hg19) VCF-style: chr22-21350240-C-T.
Identifiers: ClinVar variation 561769 (VCV000561769.5), dbSNP rs779677120, ClinGen allele CA10119229.